The following is an entry in ClinVar:

NM_000433.4(NCF2):c.1189C>T (p.Arg397Trp)

Gene: NCF2 (neutrophil cytosolic factor 2; minus strand). Cytogenetic location: 1q25.3.
Variant type: single nucleotide variant.
Coding change: c.1189C>T on transcript NM_000433.4 (MANE Select); coding-DNA position 1189, C replaced by T.
Protein change: p.Arg397Trp; replaces arginine 397 with tryptophan.
Molecular consequence: missense variant.
Genome position (GRCh38, 1-based): chr1:183,563,296, G>A on the plus strand (C>T on the coding strand, the complement: NCF2 is on the minus strand). VCF-style: chr1-183563296-G-A. GRCh37 (hg19) VCF-style: chr1-183532431-G-A.
Other names: c.1189C>T, p.Arg397Trp (NM_001127651.3); c.946C>T, p.Arg316Trp (NM_001190789.2); c.1054C>T, p.Arg352Trp (NM_001190794.2); short protein forms R352W, R397W, R316W.
Identifiers: ClinVar variation 937526 (VCV000937526.34), dbSNP rs145970396, ClinGen allele CA1284643.

ClinVar aggregate classification (germline): Uncertain significance. Review status: criteria provided, multiple submitters, no conflicts (2 of 4 stars). 3 submissions from 3 submitters: Uncertain significance (3). Last evaluated 2025-10-21.

Conditions:
Inborn genetic diseases. Identifiers: MedGen C0950123, MeSH D030342.
Granulomatous disease, chronic, autosomal recessive, cytochrome b-positive, type 2. Also called: GRANULOMATOUS DISEASE, CHRONIC, AUTOSOMAL RECESSIVE, 2; Chronic Granulomatous Disease, Autosomal Recessive, Cytochrome b-Positive, Type II; Chronic granulomatous disease due to deficiency of NCF-2; GRANULOMATOUS DISEASE, CHRONIC, DUE TO NCF2 DEFICIENCY; CGD, AUTOSOMAL RECESSIVE CYTOCHROME b-POSITIVE, TYPE II. Identifiers: Orphanet 379, MedGen C1856245, MONDO:0009310, OMIM 233710.

Allele frequency attached by ClinVar (database versions not stated): ExAC 0.00001; gnomAD exomes 0.00002; gnomAD 0.00003; TOPMed 0.00003; ESP Exome Variant Server 0.00008.
gnomAD v4.1: 163 of 1,613,974 alleles (0.01%); highest among the groups gnomAD compares: Non-Finnish European, 0.013%; no homozygotes.

Submissions (3):

Ambry Genetics
Classification: Uncertain significance for Inborn genetic diseases. Last evaluated: 2025-10-21. Review status: criteria provided, single submitter. Criteria: Ambry Variant Classification Scheme 2023. Collection method: clinical testing. Allele origin: germline.

CeGaT Center for Human Genetics Tuebingen
Classification: Uncertain significance. Last evaluated: 2023-03-01. Review status: criteria provided, single submitter. Criteria: CeGaT Center For Human Genetics Tuebingen Variant Classification Criteria Version 2. Collection method: clinical testing. Allele origin: germline. Affected: yes. Observed: 1 variant allele.
Comment: NCF2: PM2, BP4

Labcorp Genetics (formerly Invitae), Labcorp
Classification: Uncertain significance for Granulomatous disease, chronic, autosomal recessive, cytochrome b-positive, type 2. Last evaluated: 2022-02-05. Review status: criteria provided, single submitter. Criteria: Invitae Variant Classification Sherloc (09022015). Collection method: clinical testing. Allele origin: germline.
Comment: This sequence change replaces arginine, which is basic and polar, with tryptophan, which is neutral and slightly polar, at codon 397 of the NCF2 protein (p.Arg397Trp). This variant is present in population databases (rs145970396, gnomAD 0.004%). This variant has not been reported in the literature in individuals affected with NCF2-related conditions. ClinVar contains an entry for this variant (Variation ID: 937526). Algorithms developed to predict the effect of missense changes on protein structure and function (SIFT, PolyPhen-2, Align-GVGD) all suggest that this variant is likely to be tolerated. In summary, the available evidence is currently insufficient to determine the role of this variant in disease. Therefore, it has been classified as a Variant of Uncertain Significance.